The following is an entry in ClinVar:

NM_001458.5(FLNC):c.6048C>G (p.Ser2016Arg)

Genes: FLNC-AS1 (FLNC antisense RNA 1; minus strand), FLNC (filamin C; plus strand). Cytogenetic location: 7q32.1.
Variant type: single nucleotide variant.
Coding change: c.6048C>G on transcript NM_001458.5 (MANE Select); coding-DNA position 6048, C replaced by G.
Protein change: p.Ser2016Arg; replaces serine 2016 with arginine.
Molecular consequence: missense variant.
Genome position (GRCh38, 1-based): chr7:128,852,871, C>G. VCF-style: chr7-128852871-C-G. GRCh37 (hg19) VCF-style: chr7-128492925-C-G.
Other names: c.5949C>G, p.Ser1983Arg (NM_001127487.2); short protein forms S1983R, S2016R.
Identifiers: ClinVar variation 4812433 (VCV004812433.1).

ClinVar aggregate classification (germline): Uncertain significance (1 of 4 stars; one submission).

Conditions:
Hypertrophic cardiomyopathy 26. Also called: Cardiomyopathy, familial hypertrophic, 26. Identifiers: Orphanet 75249, MedGen C4310749, MONDO:0014883, OMIM 617047.
Myofibrillar myopathy 5. Also called: Filaminopathy (type); FILAMINOPATHY, AUTOSOMAL DOMINANT. Identifiers: Orphanet 171445, MedGen C1836050, MONDO:0012289, OMIM 609524.
Distal myopathy with posterior leg and anterior hand involvement. Also called: WILLIAMS DISTAL MYOPATHY. Identifiers: Orphanet 63273, MedGen C3279722, MONDO:0013550, OMIM 614065.

Submission:

Labcorp Genetics (formerly Invitae), Labcorp
Classification: Uncertain significance for Distal myopathy with posterior leg and anterior hand involvement; Myofibrillar myopathy 5; Hypertrophic cardiomyopathy 26. Last evaluated: 2026-01-01. Review status: criteria provided, single submitter. Criteria: Invitae Variant Classification Sherloc (09022015). Collection method: clinical testing. Allele origin: germline.
Comment: This sequence change replaces serine, which is neutral and polar, with arginine, which is basic and polar, at codon 2016 of the FLNC protein (p.Ser2016Arg). This variant is not present in population databases (gnomAD no frequency). This variant has not been reported in the literature in individuals affected with FLNC-related conditions. Invitae Evidence Modeling of protein sequence and biophysical properties (such as structural, functional, and spatial information, amino acid conservation, physicochemical variation, residue mobility, and thermodynamic stability) has been performed for this missense variant. However, the output from this modeling did not meet the statistical confidence thresholds required to predict the impact of this variant on FLNC protein function. In summary, the available evidence is currently insufficient to determine the role of this variant in disease. Therefore, it has been classified as a Variant of Uncertain Significance.